The following is an entry in ClinVar:

ClinVar aggregate classification (germline): Uncertain significance (1 of 4 stars; one submission).

Conditions:
Xeroderma pigmentosum, group F (XPF). Also called: XERODERMA PIGMENTOSUM, COMPLEMENTATION GROUP F; XERODERMA PIGMENTOSUM VI; XP, GROUP F; ERCC4-Related Xeroderma Pigmentosum; XERODERMA PIGMENTOSUM, TYPE F; Xeroderma pigmentosum, type 6. Identifiers: MedGen C0268140, MONDO:0010215, OMIM 278760.
Cockayne syndrome. Identifiers: Orphanet 191, MedGen C0009207, MONDO:0016006.
Fanconi anemia complementation group Q. Identifiers: Orphanet 84, MedGen C3808988, MONDO:0014108, OMIM 615272.

gnomAD v4.1: 9 of 1,613,990 alleles (0.00056%); highest among the groups gnomAD compares: Middle Eastern, 0.049%; no homozygotes.

Submission:

Labcorp Genetics (formerly Invitae), Labcorp
Classification: Uncertain significance for Fanconi anemia complementation group Q; Xeroderma pigmentosum, group F; Cockayne syndrome. Last evaluated: 2023-03-23. Review status: criteria provided, single submitter. Criteria: Invitae Variant Classification Sherloc (09022015). Collection method: clinical testing. Allele origin: germline.
Comment: This sequence change replaces glycine, which is neutral and non-polar, with arginine, which is basic and polar, at codon 545 of the ERCC4 protein (p.Gly545Arg). This variant is present in population databases (no rsID available, gnomAD 0.0009%). This variant has not been reported in the literature in individuals affected with ERCC4-related conditions. ClinVar contains an entry for this variant (Variation ID: 2084935). Advanced modeling of protein sequence and biophysical properties (such as structural, functional, and spatial information, amino acid conservation, physicochemical variation, residue mobility, and thermodynamic stability) performed at Invitae indicates that this missense variant is not expected to disrupt ERCC4 protein function. In summary, the available evidence is currently insufficient to determine the role of this variant in disease. Therefore, it has been classified as a Variant of Uncertain Significance.

NM_005236.3(ERCC4):c.1633G>C (p.Gly545Arg)

Gene: ERCC4 (ERCC excision repair 4, endonuclease catalytic subunit; plus strand). Cytogenetic location: 16p13.12.
Variant type: single nucleotide variant.
Coding change: c.1633G>C on transcript NM_005236.3 (MANE Select); coding-DNA position 1633, G replaced by C.
Protein change: p.Gly545Arg; replaces glycine 545 with arginine.
Molecular consequence: missense variant.
Genome position (GRCh38, 1-based): chr16:13,935,565, G>C. VCF-style: chr16-13935565-G-C. GRCh37 (hg19) VCF-style: chr16-14029422-G-C.
Other names: short protein forms G545R.
Identifiers: ClinVar variation 2084935 (VCV002084935.4), dbSNP rs773007457, ClinGen allele CA394812057.
Genomic context (GRCh38, chr16:13,935,565, plus strand): 5'-TGCCCGGAAGAAATTAAGCATGAAGAATTTGATGTAAATTTGTCATCGGATGCTGCTTTC[G>C]GAATCCTGAAAGAACCCCTCACTATCATCCATCCGCTTCTGGGTTGCAGCGACCCCTATG-3'
Protein context (NP_005227.1, residues 535-555): DVNLSSDAAF[Gly545Arg]ILKEPLTIIH